The following is an entry in ClinVar:

ClinVar aggregate classification (germline): Benign. Review status: criteria provided, multiple submitters, no conflicts (2 of 4 stars). 3 submissions from 3 submitters: Benign (2). 1 of the submissions does not count toward it. Last evaluated 2025-12-29.

Conditions:
MTHFS-related disorder. Also called: MTHFS-related condition.

Allele frequency attached by ClinVar (database versions not stated): gnomAD exomes 0.00029 and 0.00068; ExAC 0.00082; ESP Exome Variant Server 0.00231; gnomAD 0.00269 and 0.00277; TOPMed 0.00296; 1000 Genomes Project 30x 0.00328; 1000 Genomes Project 0.00339.
gnomAD v4.1: 843 of 1,614,156 alleles (0.052%); highest among the groups gnomAD compares: African/African-American, 0.98%; 5 homozygotes.

Submissions (3):

Labcorp Genetics (formerly Invitae), Labcorp
Classification: Benign. Last evaluated: 2025-12-29. Review status: criteria provided, single submitter. Criteria: Invitae Variant Classification Sherloc (09022015). Collection method: clinical testing. Allele origin: germline.

Breakthrough Genomics
Classification: Benign. Review status: criteria provided, single submitter. Criteria: ACMG Guidelines, 2015. Collection method: not provided. Allele origin: germline. Inheritance: Autosomal recessive inheritance. Affected: yes.

PreventionGenetics, part of Exact Sciences
Classification: Benign for MTHFS-related condition. Last evaluated: 2019-07-01. Review status: no assertion criteria provided. Collection method: clinical testing. Allele origin: germline. Not counted in ClinVar's aggregate classification.
Comment: This variant is classified as benign based on ACMG/AMP sequence variant interpretation guidelines (Richards et al. 2015 PMID: 25741868, with internal and published modifications).

NM_006441.4(MTHFS):c.420C>T (p.Asp140=)

Genes: MTHFS (methenyltetrahydrofolate synthetase; minus strand), ST20-MTHFS (ST20-MTHFS readthrough; minus strand). Cytogenetic location: 15q25.1.
Variant type: single nucleotide variant.
Coding change: c.420C>T on transcript NM_006441.4 (MANE Select); coding-DNA position 420, C replaced by T.
Protein change: p.Asp140=; no amino-acid change (aspartic acid 140 retained).
Molecular consequence: synonymous variant. On other transcripts: non-coding transcript variant (1).
Genome position (GRCh38, 1-based): chr15:79,845,402, G>A on the plus strand (C>T on the coding strand, the complement: MTHFS is on the minus strand). VCF-style: chr15-79845402-G-A. GRCh37 (hg19) VCF-style: chr15-80137744-G-A.
Other names: c.348C>T, p.Asp116= (NM_001199760.2); c.249C>T, p.Asp83= (NM_001199758.1).
Identifiers: ClinVar variation 787962 (VCV000787962.11), dbSNP rs139934877, ClinGen allele CA7690284.